The following is an entry in ClinVar:

ClinVar aggregate classification (germline): Conflicting classifications of pathogenicity. Review status: criteria provided, conflicting classifications (1 of 4 stars). 8 submissions from 8 submitters: Pathogenic (1); Likely pathogenic (2); Uncertain significance (4). 1 of the submissions does not count toward it. Last evaluated 2026-09-15.

Conditions:
Inborn genetic diseases. Identifiers: MedGen C0950123, MeSH D030342.
STRC-related disorder. Also called: STRC-related condition.
Autosomal recessive nonsyndromic hearing loss 16. Also called: DEAFNESS, AUTOSOMAL RECESSIVE 16; DFNB16 Nonsyndromic Hearing Loss and Deafness. Identifiers: Orphanet 90636, MedGen C1863561, MONDO:0011364, OMIM 603720.

Submissions (8):

PreventionGenetics, part of Exact Sciences
Classification: Uncertain significance for STRC-related condition. Last evaluated: 2026-09-15. Review status: criteria provided, single submitter. Criteria: ACMG Guidelines, 2015. Collection method: clinical testing. Allele origin: germline.
Comment: The STRC c.4917_4918delinsCT variant is predicted to result in an in-frame deletion and insertion. This variant in exon 26 of the STRC gene corresponds to a known STRCP1 pseudogene variant. This variant, also described as c.4918C>T in the literature, has been reported in four patients with hearing loss in trans to a STRC full gene deletion and was confirmed using an assay that excludes the STRCP1 pseudogene in two of these patients (Vona et al. 2015. PubMed ID: 26011646; Mandelker et al. 2014. PubMed ID: 25157971; Table S2, Shearer et al. 2014. PubMed ID: 24963352; Corriols-Noval et al. 2022. PubMed ID: 36190904). The c.4918C>T variant is reported as a multi-nucleotide variant in 0.20% of alleles in individuals of European (Non-Finnish) descent in gnomAD v2, including five homozygotes and twenty nine homozygotes in gnomAD v4 (available only on GRCh38), which may be too high for pathogenic variant. However, NGS based population database allele frequencies may not be accurate at this locus due to paralogy. The c.4918C>T variant is listed in ClinVar with conflicting interpretations of likely pathogenic, uncertain, and likely benign (Variation ID: 417924). Although we suspect this variant may be benign, at this time, the clinical significance of this variant is uncertain due to the absence of conclusive functional and genetic evidence.

Women's Health and Genetics/Laboratory Corporation of America, LabCorp
Classification: Uncertain significance. Last evaluated: 2025-12-12. Review status: criteria provided, single submitter. Criteria: LabCorp Variant Classification Summary - May 2015. Collection method: clinical testing. Allele origin: germline.
Comment: Variant summary: STRC c.4917_4918delinsCT (p.Leu1640Phe) results in a non-conservative amino acid change in the encoded protein sequence. Algorithms developed to predict the effect of missense changes on protein structure and function all suggest that this variant is likely to be disruptive. The variant allele was found at a frequency of 0.0012 in 282340 control chromosomes in the gnomAD database, including 5 homozygotes, and is reported as two single nucleotide variants: 15-43892808-T-G and 15-43892807-G-A. However, this observation needs to be cautiously considered due high homology with the STRCP1 pseudogene (Vona_2014, Mandelker_2014). c.4917_4918delinsCT has been observed in compound heterozygous individual(s) affected with Nonsyndromic Hearing Loss And Deafness, Type 16 (e.g. Vona_2014, Mandelker_2014, Corriols-Noval_2022, Spedicati_2023, Back_2018, Van Heurck_2021, Sheppard_2018). These data indicate that the variant may be associated with disease. To our knowledge, no experimental evidence demonstrating an impact on protein function has been reported. The following publications have been ascertained in the context of this evaluation (PMID: 30531641, 36190904, 25157971, 29907799, 36979683, 34440452, 26011646). ClinVar contains an entry for this variant (Variation ID: 165301). Based on the evidence outlined above, the variant was classified as uncertain significance.

GeneDx
Classification: Uncertain significance. Last evaluated: 2025-01-15. Review status: criteria provided, single submitter. Criteria: GeneDx Variant Classification Process June 2021. Collection method: clinical testing. Allele origin: germline. Affected: yes.
Comment: In silico analysis supports that this variant does not alter protein structure/function; This variant is associated with the following publications: (PMID: 25157971, 26011646, 30245029, 29907799, 36086952, 24963352, 30531641, 34440452, 36190904, 36979683)

Ambry Genetics
Classification: Likely pathogenic for Inborn genetic diseases. Last evaluated: 2022-12-19. Review status: criteria provided, single submitter. Criteria: Ambry Variant Classification Scheme 2023. Collection method: clinical testing. Allele origin: germline.
Comment: The c.4917_4918delACinsCT (p.L1640F) alteration, located in exon 26 (coding exon 26) of the STRC gene, consists of an in-frame substitution of 2 nucleotides from position 4917 to 4918, causing the leucine (L) at amino acid position 1640 to be replaced by a phenylalanine (F). Based on data from gnomAD, the CT allele has an overall frequency of 0.117% (331/282340) total alleles studied. The highest observed frequency was 0.199% (256/128964) of European (non-Finnish) alleles. Allele frequencies in general population databases may be unreliable due to high homology with the STRCP1 pseudogene (Vona, 2015; Mandelker, 2014; Francey, 2012). This variant has been observed in trans with a second STRC pathogenic variant in multiple individuals with congenital hearing loss (Back, 2019; Sheppard, 2018; Vona, 2015; Mandelker, 2014). In addition, this variant has been observed as part of a pathogenic gene conversion event in trans with a second STRC variant in one individual with congenital bilateral sensorineural hearing loss (Conlin, 2022). This amino acid position is highly conserved in available vertebrate species. This alteration is predicted to be tolerated by in silico analysis. Based on the available evidence, this alteration is classified as likely pathogenic.

Laboratory for Molecular Medicine, Mass General Brigham Personalized Medicine
Classification: Uncertain significance. Last evaluated: 2019-10-11. Review status: criteria provided, single submitter. Criteria: LMM Criteria. Collection method: clinical testing. Allele origin: germline. Observed: 11 variant alleles.
Comment: Variant classified as Uncertain Significance - Favor Pathogenic. The p.Leu1640Phe variant in STRC has been previously reported in 9 individuals with hearing loss, 7 of whom were compound heterozygous for a second pathogenic STRC variant (Mandelker 2014, Vona 2016, LMM unpublished data). This variant has also been identified in 0.2% (256/128964) of European chromosomes (including 5 homozygotes) by the Genome Aggregation Database (gnomAD; dbSNP rs2860666 and rs2920791). Please note that the Genome Aggregation Database has listed this variant as two separate single nucleotide variants (see rs2860666 and rs2920791) but it was confirmed that the variants occur on the same allele in individuals reported in this database, which is consistent with the variant and amino acid change reported here. Computational prediction tools and conservation analysis suggest that the p.Leu1640Phe variant may not impact the protein, though this information is not predictive enough to rule out pathogenicity. In summary, while there is some suspicion for a pathogenic role, the clinical significance of this variant is uncertain due to its relative high frequency in the general population database, including 5 individuals who were homozygous. ACMG/AMP Criteria applied: BS1_Supporting, PM3, BP2.

Center of Genomic medicine, Geneva, University Hospital of Geneva
Classification: Pathogenic for Autosomal recessive nonsyndromic hearing loss 16. Last evaluated: 2019-04-03. Review status: criteria provided, single submitter. Criteria: ACMG Guidelines, 2015. Collection method: clinical testing. Allele origin: maternal. Affected: yes. Observed: 2 variant alleles.

Clinical Genetics Service, Universitary Hospital 12 de Octubre
Classification: Likely pathogenic for Autosomal recessive nonsyndromic hearing loss 16. Review status: criteria provided, single submitter. Criteria: ACMG Guidelines, 2015. Collection method: clinical testing. Allele origin: germline. Affected: yes.

Division of Human Genetics, Children's Hospital of Philadelphia
Classification: Uncertain significance for Deafness, autosomal recessive 16. Last evaluated: 2015-05-23. Review status: no assertion criteria provided. Collection method: research. Allele origin: maternal. Affected: yes. Study: CSER-PediSeq. Not counted in ClinVar's aggregate classification.
Comment: The heterozygous variant was identified in the STRC gene (c.4917_4918delinsCT; p.Leu1640Phe) is considered a variant of uncertain significance. This variant affects a highly conserved amino acid and has been previously published in 3 affected individuals (PMID: 2157971). This variant is also present in 131 alleles in the ExAC database, out of 121110 total alleles sequenced at this position.

Literature cited by the submitters: PubMed 29907799 (cited by Women's Health and Genetics/Laboratory Corporation of America, LabCorp and Ambry Genetics); PubMed 34440452 (cited by Women's Health and Genetics/Laboratory Corporation of America, LabCorp); PubMed 30531641 (cited by Women's Health and Genetics/Laboratory Corporation of America, LabCorp and Ambry Genetics); PubMed 36190904 (cited by Women's Health and Genetics/Laboratory Corporation of America, LabCorp); PubMed 25157971 (cited by 4 submitters); PubMed 36979683 (cited by Women's Health and Genetics/Laboratory Corporation of America, LabCorp); PubMed 26011646 (cited by 3 submitters); PubMed 22147502 (cited by Ambry Genetics); PubMed 24963352 (cited by Ambry Genetics); PubMed 36086952 (cited by Ambry Genetics); PubMed 30245029 (cited by Laboratory for Molecular Medicine, Mass General Brigham Personalized Medicine).

NC_000015.10:g.43600609_43600610delinsAG

Gene: STRC (stereocilin; minus strand). Cytogenetic location: 15q15.3.
Variant type: Indel.
Genome position: GRCh38 VCF-style: chr15-43600609-GT-AG. GRCh37 (hg19) VCF-style: chr15-43892807-GT-AG.
Other names: rs2920791; c.4917_4918delACinsCT (NM_153700.2).
Identifiers: ClinVar variation 165301 (VCV000165301.20), dbSNP rs727503441, ClinGen allele CA178038.